The following is an entry in ClinVar:

ClinVar aggregate classification (germline): Pathogenic. Review status: reviewed by expert panel (3 of 4 stars). 8 submissions from 8 submitters: Pathogenic (1). 7 of the submissions do not count toward it. Last evaluated 2016-09-08.

Conditions:
Hereditary cancer-predisposing syndrome. Also called: Tumor predisposition; Neoplastic Syndromes, Hereditary; Hereditary neoplastic syndrome; Hereditary Cancer Syndrome. Identifiers: Orphanet 140162, MedGen C0027672, MeSH D009386, MONDO:0015356.
Hereditary breast ovarian cancer syndrome. Also called: Hereditary breast and ovarian cancer; Hereditary breast and ovarian cancer syndrome (HBOC); Hereditary breast and/or ovarian cancer syndrome; Breast and ovarian cancer; Hereditary breast and ovarian cancer syndrome; BRCA1- and BRCA2-Associated Hereditary Breast and Ovarian Cancer. Identifiers: Orphanet 145, MedGen C0677776, MeSH D061325, MONDO:0003582. Disease mechanism: loss of function.
Breast-ovarian cancer, familial, susceptibility to, 2 (BROVCA2). Also called: BRCA2 Hereditary Breast and Ovarian Cancer. Identifiers: Orphanet 145, MedGen C2675520, MONDO:0012933, OMIM 612555. Disease mechanism: loss of function.
Malignant tumor of breast. Also called: Malignant breast neoplasm; Cancer breast. Identifiers: MedGen C0006142, MONDO:0007254. Disease mechanism: loss of function.

Submissions (8):

Evidence-based Network for the Interpretation of Germline Mutant Alleles (ENIGMA)
Classification: Pathogenic for Breast-ovarian cancer, familial, susceptibility to, 2. Last evaluated: 2016-09-08. Review status: reviewed by expert panel. Criteria: ENIGMA BRCA1/2 Classification Criteria (2015). Collection method: curation. Allele origin: germline.
Comment: Variant allele predicted to encode a truncated non-functional protein.

Labcorp Genetics (formerly Invitae), Labcorp
Classification: Pathogenic for Hereditary breast ovarian cancer syndrome. Last evaluated: 2025-09-23. Review status: criteria provided, single submitter. Criteria: Invitae Variant Classification Sherloc (09022015). Collection method: clinical testing. Allele origin: germline. Not counted in ClinVar's aggregate classification.
Comment: This sequence change creates a premature translational stop signal (p.Gln2894Lysfs*15) in the BRCA2 gene. It is expected to result in an absent or disrupted protein product. Loss-of-function variants in BRCA2 are known to be pathogenic (PMID: 20104584). This variant is not present in population databases (gnomAD no frequency). This premature translational stop signal has been observed in individual(s) with increased risk of breast and/or ovarian cancer (PMID: 29446198). ClinVar contains an entry for this variant (Variation ID: 38178). For these reasons, this variant has been classified as Pathogenic.

Color Diagnostics, LLC DBA Color Health
Classification: Pathogenic for Hereditary cancer-predisposing syndrome. Last evaluated: 2021-06-03. Review status: criteria provided, single submitter. Criteria: ACMG Guidelines, 2015. Collection method: clinical testing. Allele origin: germline. Not counted in ClinVar's aggregate classification.
Comment: This variant deletes 1 nucleotide in exon 21 of the BRCA2 gene, creating a frameshift and premature translation stop signal. This variant is expected to result in an absent or non-functional protein product. To our knowledge, this variant has not been reported in individuals affected with hereditary cancer in the literature. This variant has not been identified in the general population by the Genome Aggregation Database (gnomAD). Loss of BRCA2 function is a known mechanism of disease. Based on the available evidence, this variant is classified as Pathogenic.

Ambry Genetics
Classification: Pathogenic for Hereditary cancer-predisposing syndrome. Last evaluated: 2020-10-01. Review status: criteria provided, single submitter. Criteria: Ambry Variant Classification Scheme 2023. Collection method: clinical testing. Allele origin: germline. Not counted in ClinVar's aggregate classification.
Comment: The c.8680delC pathogenic mutation, located in coding exon 20 of the BRCA2 gene, results from a deletion of one nucleotide at nucleotide position 8680, causing a translational frameshift with a predicted alternate stop codon (p.Q2894Kfs*15). This alteration was identified in a large, worldwide study of BRCA1/2 mutation positive families (Rebbeck TR et al. Hum. Mutat., 2018 05;39:593-620). In addition to the clinical data presented in the literature, this alteration is expected to result in loss of function by premature protein truncation or nonsense-mediated mRNA decay. As such, this alteration is interpreted as a disease-causing mutation.

Cancer Genetics and Genomics Laboratory, British Columbia Cancer Agency
Classification: Pathogenic for Hereditary breast ovarian cancer syndrome. Last evaluated: 2017-04-18. Review status: criteria provided, single submitter. Criteria: ACMG Guidelines, 2015. Collection method: clinical testing. Allele origin: germline. Study: The Canadian Open Genetics Repository (COGR). Not counted in ClinVar's aggregate classification.

Consortium of Investigators of Modifiers of BRCA1/2 (CIMBA), c/o University of Cambridge
Classification: Pathogenic for Breast-ovarian cancer, familial, susceptibility to, 2. Last evaluated: 2015-10-02. Review status: criteria provided, single submitter. Criteria: CIMBA Mutation Classification guidelines May 2016. Collection method: clinical testing. Allele origin: germline. Not counted in ClinVar's aggregate classification.

Sharing Clinical Reports Project (SCRP)
Classification: Pathogenic for Breast-ovarian cancer, familial 2. Last evaluated: 2011-03-02. Review status: no assertion criteria provided. Collection method: clinical testing. Allele origin: germline. Not counted in ClinVar's aggregate classification.

Department of Pathology and Laboratory Medicine, Sinai Health System
Classification: Pathogenic for Malignant tumor of breast. Review status: no assertion criteria provided. Collection method: clinical testing. Allele origin: unknown. Affected: yes. Observed: 2 variant alleles. Study: The Canadian Open Genetics Repository (COGR). Not counted in ClinVar's aggregate classification.
Comment: The BRCA2 p.Gln2894LysfsX15 variant was not identified in the literature, nor was it identified in the NHLBI Exome Sequencing Project (Exome Variant Server), Exome Aggregation Consortium (ExAC: version 0.3.1 released March 14, 2016), LOVD Fanconiâ€šÃ„Ã´s Anaemia Mutation, COSMIC, Clinvitae, MutDB, GeneInsight COGR, BIC or ARUP Laboratories Databases. The variant was identified in the dbSNP (ID: rs397507410) database with pathogenic allele. In ClinVar database the variant was classified as a pathogenic variant by the Sharing Clinical Reports Project, derived from Myriad reports; and in BRCA Share UMD database the variant was identified 2X and classified as causal. The p.Gln2894LysfsX15 deletion variant is predicted to cause a frameshift, which alters the protein's amino acid sequence beginning at codon 2894 and leads to a premature stop codon 15 codons downstream. This alteration is then predicted to result in a truncated or absent protein and loss of function. Loss of function variants of the BRCA2 gene are an established mechanism of disease in hereditary breast and ovarian cancer and is the type of variant expected to cause the disorder. In summary, based on the above information, this variant meets our laboratoryâ€šÃ„Ã´s criteria to be classified as pathogenic.

Literature cited by the submitters: PubMed 20104584 (cited by Labcorp Genetics (formerly Invitae), Labcorp); PubMed 29446198 (cited by Labcorp Genetics (formerly Invitae), Labcorp and Ambry Genetics).

NM_000059.4(BRCA2):c.8680del (p.Gln2894fs)

Gene: BRCA2 (BRCA2 DNA repair associated; plus strand). Cytogenetic location: 13q13.1.
Variant type: Deletion.
Coding change: c.8680del on transcript NM_000059.4 (MANE Select); coding-DNA position 8680, one base deleted (C; older notation c.8680delC).
Protein change: p.Gln2894fs; shifts the reading frame from glutamine 2894.
Molecular consequence: frameshift variant.
Genome position (GRCh38, 1-based): chr13:32,376,717, C deleted. VCF-style (leftmost placement, unchanged base first): chr13-32376716-GC-G. GRCh37 (hg19) VCF-style: chr13-32950853-GC-G.
Other names: 8908delC; c.8680delC (NM_000059.3).
Identifiers: ClinVar variation 38178 (VCV000038178.26), dbSNP rs397507410, ClinGen allele CA025779.
Genomic context (GRCh38, chr13:32,376,716, plus strand): 5'-TTTTGTTTTCTTAGAAAACACAACAAAACCATATTTACCATCACGTGCACTAACAAGACA[GC>G]AAGTTCGTGCTTTGCAAGATGGTGCAGAGCTTTATGAAGCAGTGAAGAATGCAGCAGACC-3'